The following is an entry in ClinVar:

ClinVar aggregate classification (germline): Uncertain significance (1 of 4 stars; one submission).

Conditions:
Left ventricular noncompaction 8 (LVNC8). Identifiers: Orphanet 154, Orphanet 54260, MedGen C3809288, MONDO:0014152, OMIM 615373.

Allele frequency attached by ClinVar (database versions not stated): gnomAD 0.00001; gnomAD exomes 0.00001.
gnomAD v4.1: 21 of 1,611,282 alleles (0.0013%); highest among the groups gnomAD compares: Non-Finnish European, 0.0017%; no homozygotes.

Submission:

Labcorp Genetics (formerly Invitae), Labcorp
Classification: Uncertain significance for Left ventricular noncompaction 8. Last evaluated: 2022-06-15. Review status: criteria provided, single submitter. Criteria: Invitae Variant Classification Sherloc (09022015). Collection method: clinical testing. Allele origin: germline.
Comment: This variant has not been reported in the literature in individuals affected with PRDM16-related conditions. This variant is not present in population databases (gnomAD no frequency). This sequence change replaces glycine, which is neutral and non-polar, with arginine, which is basic and polar, at codon 372 of the PRDM16 protein (p.Gly372Arg). In summary, the available evidence is currently insufficient to determine the role of this variant in disease. Therefore, it has been classified as a Variant of Uncertain Significance. Algorithms developed to predict the effect of missense changes on protein structure and function are either unavailable or do not agree on the potential impact of this missense change (SIFT: "Deleterious"; PolyPhen-2: "Probably Damaging"; Align-GVGD: "Class C15").

NM_022114.4(PRDM16):c.1114G>A (p.Gly372Arg)

Gene: PRDM16 (PR/SET domain 16; plus strand). Cytogenetic location: 1p36.32.
Variant type: single nucleotide variant.
Coding change: c.1114G>A on transcript NM_022114.4 (MANE Select); coding-DNA position 1114, G replaced by A.
Protein change: p.Gly372Arg; replaces glycine 372 with arginine.
Molecular consequence: missense variant.
Genome position (GRCh38, 1-based): chr1:3,405,576, G>A. VCF-style: chr1-3405576-G-A. GRCh37 (hg19) VCF-style: chr1-3322140-G-A.
Other names: c.1114G>A, p.Gly372Arg (NM_199454.3); short protein forms G372R.
Identifiers: ClinVar variation 2099807 (VCV002099807.4), dbSNP rs1643548627, ClinGen allele CA338005498.